The following is an entry in ClinVar:

ClinVar aggregate classification (germline): Conflicting classifications of pathogenicity. Review status: criteria provided, conflicting classifications (1 of 4 stars). 6 submissions from 5 submitters: Uncertain significance (2); Benign (1); Likely benign (2). 1 of the submissions does not count toward it. Last evaluated 2025-12-18.

Conditions:
COMP-related disorder. Also called: COMP-related disorders; COMP-related condition.
Pseudoachondroplastic spondyloepiphyseal dysplasia syndrome (PSACH). Also called: PSEUDOACHONDROPLASTIC DYSPLASIA; COMP-Related Pseudoachondroplasia; Pseudoachondroplasia. Identifiers: Orphanet 750, MedGen C0410538, MONDO:0008322, OMIM 177170.
Multiple epiphyseal dysplasia type 1. Also called: COMP-Related Multiple Epiphyseal Dysplasia. Identifiers: Orphanet 93308, MedGen C1838280, MONDO:0007561, OMIM 132400.

Allele frequency attached by ClinVar (database versions not stated): ExAC 0.00040; TOPMed 0.00045; gnomAD 0.00051; 1000 Genomes Project 0.00060; 1000 Genomes Project 30x 0.00062.
gnomAD v4.1: 800 of 1,523,374 alleles (0.053%); highest among the groups gnomAD compares: Admixed American, 0.076%; 1 homozygote.

Submissions (6):

Labcorp Genetics (formerly Invitae), Labcorp
Classification: Benign. Last evaluated: 2025-12-18. Review status: criteria provided, single submitter. Criteria: Invitae Variant Classification Sherloc (09022015). Collection method: clinical testing. Allele origin: germline.

Blueprint Genetics
Classification: Likely benign. Last evaluated: 2024-11-27. Review status: criteria provided, single submitter. Criteria: ACMG Guidelines, 2015. Collection method: clinical testing. Allele origin: germline.

ARUP Laboratories, Molecular Genetics and Genomics, ARUP Laboratories
Classification: Likely benign. Last evaluated: 2019-06-18. Review status: criteria provided, single submitter. Criteria: ARUP Molecular Germline Variant Investigation Process. Collection method: clinical testing. Allele origin: germline.

Illumina Laboratory Services, Illumina
Classification: Uncertain significance for Multiple epiphyseal dysplasia type 1. Last evaluated: 2018-01-13. Review status: criteria provided, single submitter. Criteria: ICSL Variant Classification Criteria 13 December 2019. Collection method: clinical testing. Allele origin: germline.

Illumina Laboratory Services, Illumina
Classification: Uncertain significance for Pseudoachondroplastic spondyloepiphyseal dysplasia syndrome. Last evaluated: 2018-01-13. Review status: criteria provided, single submitter. Criteria: ICSL Variant Classification Criteria 13 December 2019. Collection method: clinical testing. Allele origin: germline.

PreventionGenetics, part of Exact Sciences
Classification: Likely benign for COMP-related condition. Last evaluated: 2019-12-31. Review status: no assertion criteria provided. Collection method: clinical testing. Allele origin: germline. Not counted in ClinVar's aggregate classification.
Comment: This variant is classified as likely benign based on ACMG/AMP sequence variant interpretation guidelines (Richards et al. 2015 PMID: 25741868, with internal and published modifications).

NM_000095.3(COMP):c.218-7C>G

Gene: COMP (cartilage oligomeric matrix protein; minus strand). Cytogenetic location: 19p13.11.
Variant type: single nucleotide variant.
Coding change: c.218-7C>G on transcript NM_000095.3 (MANE Select); 7 bases into the intron before coding-DNA position 218, C replaced by G.
Molecular consequence: intron variant.
Genome position (GRCh38, 1-based): chr19:18,790,121, G>C on the plus strand (C>G on the coding strand, the complement: COMP is on the minus strand). VCF-style: chr19-18790121-G-C. GRCh37 (hg19) VCF-style: chr19-18900930-G-C.
Identifiers: ClinVar variation 328626 (VCV000328626.23), dbSNP rs554031979, ClinGen allele CA9316788.